The following is an entry in ClinVar:

ClinVar aggregate classification (germline): Uncertain significance. Review status: criteria provided, multiple submitters, no conflicts (2 of 4 stars). 3 submissions from 3 submitters: Uncertain significance (3). Last evaluated 2025-08-30.

Conditions:
Hereditary cancer-predisposing syndrome. Also called: Neoplastic Syndromes, Hereditary; Tumor predisposition; Hereditary Cancer Syndrome; Hereditary neoplastic syndrome. Identifiers: Orphanet 140162, MedGen C0027672, MeSH D009386, MONDO:0015356.

Allele frequency attached by ClinVar (database versions not stated): gnomAD 0.00001; gnomAD exomes 0.00001; TOPMed 0.00001; ExAC 0.00002; 1000 Genomes Project 30x 0.00016; 1000 Genomes Project 0.00020.
gnomAD v4.1: 19 of 1,614,092 alleles (0.0012%); highest among the groups gnomAD compares: East Asian, 0.0022%; no homozygotes.

Submissions (3):

Labcorp Genetics (formerly Invitae), Labcorp
Classification: Uncertain significance. Last evaluated: 2025-08-30. Review status: criteria provided, single submitter. Criteria: Invitae Variant Classification Sherloc (09022015). Collection method: clinical testing. Allele origin: germline.
Comment: This sequence change replaces valine, which is neutral and non-polar, with isoleucine, which is neutral and non-polar, at codon 922 of the POLE protein (p.Val922Ile). This variant is present in population databases (rs551966935, gnomAD 0.003%). This variant has not been reported in the literature in individuals affected with POLE-related conditions. ClinVar contains an entry for this variant (Variation ID: 473553). Invitae Evidence Modeling of protein sequence and biophysical properties (such as structural, functional, and spatial information, amino acid conservation, physicochemical variation, residue mobility, and thermodynamic stability) indicates that this missense variant is not expected to disrupt POLE protein function with a negative predictive value of 80%. In summary, the available evidence is currently insufficient to determine the role of this variant in disease. Therefore, it has been classified as a Variant of Uncertain Significance.

Ambry Genetics
Classification: Uncertain significance for Hereditary cancer-predisposing syndrome. Last evaluated: 2025-04-11. Review status: criteria provided, single submitter. Criteria: Ambry Variant Classification Scheme 2023. Collection method: clinical testing. Allele origin: germline.

GeneDx
Classification: Uncertain significance. Last evaluated: 2020-10-21. Review status: criteria provided, single submitter. Criteria: GeneDx Variant Classification Process June 2021. Collection method: clinical testing. Allele origin: germline. Affected: yes.
Comment: Not observed at a significant frequency in large population cohorts (Lek 2016); In silico analysis supports that this missense variant does not alter protein structure/function; Has not been previously published as pathogenic or benign to our knowledge

NM_006231.4(POLE):c.2764G>A (p.Val922Ile)

Gene: POLE (DNA polymerase epsilon, catalytic subunit; minus strand). Cytogenetic location: 12q24.33.
Variant type: single nucleotide variant.
Coding change: c.2764G>A on transcript NM_006231.4 (MANE Select); coding-DNA position 2764, G replaced by A.
Protein change: p.Val922Ile; replaces valine 922 with isoleucine.
Molecular consequence: missense variant.
Genome position (GRCh38, 1-based): chr12:132,661,627, C>T on the plus strand (G>A on the coding strand, the complement: POLE is on the minus strand). VCF-style: chr12-132661627-C-T. GRCh37 (hg19) VCF-style: chr12-133238213-C-T.
Other names: short protein forms V922I.
Identifiers: ClinVar variation 473553 (VCV000473553.12), dbSNP rs551966935, ClinGen allele CA6893450.
Genomic context (GRCh38, chr12:132,661,627, plus strand): 5'-GAATCATGGCAAGGTAGGGCCCATCAACCTCAAAAAAGATGCTGTTCTCTGAGCGGGTGA[C>T]GTAGGTGAGTGAGGACGGCTCAGCCAGCTCCTGGTACTGGTCATTGGTGAAGCCTTCCTG-3'
Protein context (NP_006222.2, residues 912-932): ELAEPSSLTY[Val922Ile]TRSENSIFFE